The following is an entry in ClinVar:

NM_014795.4(ZEB2):c.2752C>T (p.Pro918Ser)

Gene: ZEB2 (zinc finger E-box binding homeobox 2; minus strand). Cytogenetic location: 2q22.3.
Variant type: single nucleotide variant.
Coding change: c.2752C>T on transcript NM_014795.4 (MANE Select); coding-DNA position 2752, C replaced by T.
Protein change: p.Pro918Ser; replaces proline 918 with serine.
Molecular consequence: missense variant.
Genome position (GRCh38, 1-based): chr2:144,398,435, G>A on the plus strand (C>T on the coding strand, the complement: ZEB2 is on the minus strand). VCF-style: chr2-144398435-G-A. GRCh37 (hg19) VCF-style: chr2-145156002-G-A.
Other names: c.2680C>T, p.Pro894Ser (NM_001171653.2); c.2752C>T (NM_014795.3); short protein forms P918S, P894S.
Identifiers: ClinVar variation 808806 (VCV000808806.42), dbSNP rs1560605894, ClinGen allele CA348707121.
Genomic context (GRCh38, chr2:144,398,435, plus strand): 5'-TGTAGGCCATATGTGGTAGGAAGCTCATCTGATCCAGTCCTGGGTATGGTCGTAGCCCAG[G>A]AATACTGGTCTGGACTGGTGGCATGAAAGTAGCAGGGGGAAATGCGCTTTGAGGTGGAAG-3'
Protein context (NP_055610.1, residues 908-928): TFMPPVQTSI[Pro918Ser]GLRPYPGLDQ

ClinVar aggregate classification (germline): Conflicting classifications of pathogenicity. Review status: criteria provided, conflicting classifications (1 of 4 stars). 2 submissions from 2 submitters: Uncertain significance (1); Likely benign (1). Last evaluated 2023-01-04.

Conditions:
ZEB2-related disorder. Also called: ZEB2-related condition.

Allele frequency attached by ClinVar (database versions not stated): gnomAD exomes below 0.00001.
gnomAD v4.1: 4 of 1,614,076 alleles (0.00025%); highest among the groups gnomAD compares: Middle Eastern, 0.017%; no homozygotes.

Submissions (2):

PreventionGenetics, part of Exact Sciences
Classification: Uncertain significance for ZEB2-related condition. Last evaluated: 2023-01-04. Review status: criteria provided, single submitter. Criteria: ACMG Guidelines, 2015. Collection method: clinical testing. Allele origin: germline.
Comment: The ZEB2 c.2752C>T variant is predicted to result in the amino acid substitution p.Pro918Ser. To our knowledge, this variant has not been reported in the literature. This variant is reported in 0.00088% of alleles in individuals of European (Non-Finnish) descent in gnomAD. At this time, the clinical significance of this variant is uncertain due to the absence of conclusive functional and genetic evidence.

CeGaT Center for Human Genetics Tuebingen
Classification: Likely benign. Last evaluated: 2018-09-01. Review status: criteria provided, single submitter. Criteria: CeGaT Center For Human Genetics Tuebingen Variant Classification Criteria Version 2. Collection method: clinical testing. Allele origin: germline. Affected: yes. Observed: 1 variant allele.